The following is an entry in ClinVar:

NM_014014.5(SNRNP200):c.929T>A (p.Leu310His)

Gene: SNRNP200 (small nuclear ribonucleoprotein U5 subunit 200; minus strand). Cytogenetic location: 2q11.2.
Variant type: single nucleotide variant.
Coding change: c.929T>A on transcript NM_014014.5 (MANE Select); coding-DNA position 929, T replaced by A.
Protein change: p.Leu310His; replaces leucine 310 with histidine.
Molecular consequence: missense variant.
Genome position (GRCh38, 1-based): chr2:96,298,656, A>T on the plus strand (T>A on the coding strand, the complement: SNRNP200 is on the minus strand). VCF-style: chr2-96298656-A-T. GRCh37 (hg19) VCF-style: chr2-96964394-A-T.
Other names: short protein forms L310H.
Identifiers: ClinVar variation 4759643 (VCV004759643.1).

ClinVar aggregate classification (germline): Uncertain significance (1 of 4 stars; one submission).

gnomAD v4.1: 1 of 1,614,236 alleles (0.000062%); highest among the groups gnomAD compares: Non-Finnish European, 0.000085%; no homozygotes.

Submission:

Labcorp Genetics (formerly Invitae), Labcorp
Classification: Uncertain significance. Last evaluated: 2025-10-22. Review status: criteria provided, single submitter. Criteria: Invitae Variant Classification Sherloc (09022015). Collection method: clinical testing. Allele origin: germline.
Comment: This sequence change replaces leucine, which is neutral and non-polar, with histidine, which is basic and polar, at codon 310 of the SNRNP200 protein (p.Leu310His). This variant is not present in population databases (gnomAD no frequency). This variant has not been reported in the literature in individuals affected with SNRNP200-related conditions. Invitae Evidence Modeling of protein sequence and biophysical properties (such as structural, functional, and spatial information, amino acid conservation, physicochemical variation, residue mobility, and thermodynamic stability) indicates that this missense variant is expected to disrupt SNRNP200 protein function with a positive predictive value of 95%. In summary, the available evidence is currently insufficient to determine the role of this variant in disease. Therefore, it has been classified as a Variant of Uncertain Significance.